The following is an entry in ClinVar:

ClinVar aggregate classification (germline): Uncertain significance (1 of 4 stars; one submission).

Conditions:
Anophthalmia/microphthalmia-esophageal atresia syndrome (MCOPS3). Also called: AEG SYNDROME; MICROPHTHALMIA AND ESOPHAGEAL ATRESIA SYNDROME; SOX2 Disorder. Identifiers: Orphanet 77298, MedGen C1859773, MONDO:0008799, OMIM 206900.

Allele frequency attached by ClinVar (database versions not stated): ExAC 0.00001; TOPMed 0.00001; ESP Exome Variant Server 0.00008.

Submission:

Labcorp Genetics (formerly Invitae), Labcorp
Classification: Uncertain significance for Anophthalmia/microphthalmia-esophageal atresia syndrome. Last evaluated: 2023-01-06. Review status: criteria provided, single submitter. Criteria: Invitae Variant Classification Sherloc (09022015). Collection method: clinical testing. Allele origin: germline.
Comment: This sequence change replaces glycine, which is neutral and non-polar, with valine, which is neutral and non-polar, at codon 179 of the SOX2 protein (p.Gly179Val). This variant is present in population databases (rs376567372, gnomAD 0.0009%). This variant has not been reported in the literature in individuals affected with SOX2-related conditions. Advanced modeling of protein sequence and biophysical properties (such as structural, functional, and spatial information, amino acid conservation, physicochemical variation, residue mobility, and thermodynamic stability) performed at Invitae indicates that this missense variant is not expected to disrupt SOX2 protein function. In summary, the available evidence is currently insufficient to determine the role of this variant in disease. Therefore, it has been classified as a Variant of Uncertain Significance.

NM_003106.4(SOX2):c.536G>T (p.Gly179Val)

Genes: SOX2 (SRY-box transcription factor 2; plus strand), SOX2-OT (SOX2 overlapping transcript; plus strand), LOC108281177 (SOX2 5' regulatory region; plus strand). Cytogenetic location: 3q26.33.
Variant type: single nucleotide variant.
Coding change: c.536G>T on transcript NM_003106.4 (MANE Select); coding-DNA position 536, G replaced by T.
Protein change: p.Gly179Val; replaces glycine 179 with valine.
Molecular consequence: missense variant.
Genome position (GRCh38, 1-based): chr3:181,712,896, G>T. VCF-style: chr3-181712896-G-T. GRCh37 (hg19) VCF-style: chr3-181430684-G-T.
Other names: short protein forms G179V.
Identifiers: ClinVar variation 2730686 (VCV002730686.3), dbSNP rs376567372, ClinGen allele CA2717283.